The following is an entry in ClinVar:

NM_002335.4(LRP5):c.4272C>T (p.His1424=)

Gene: LRP5 (LDL receptor related protein 5; plus strand). Cytogenetic location: 11q13.2.
Variant type: single nucleotide variant.
Coding change: c.4272C>T on transcript NM_002335.4 (MANE Select); coding-DNA position 4272, C replaced by T.
Protein change: p.His1424=; no amino-acid change (histidine 1424 retained).
Molecular consequence: synonymous variant.
Genome position (GRCh38, 1-based): chr11:68,438,606, C>T. VCF-style: chr11-68438606-C-T. GRCh37 (hg19) VCF-style: chr11-68206074-C-T.
Other names: c.2529C>T, p.His843= (NM_001291902.2).
Identifiers: ClinVar variation 499151 (VCV000499151.24), dbSNP rs145226802, ClinGen allele CA6150301.

ClinVar aggregate classification (germline): Conflicting classifications of pathogenicity. Review status: criteria provided, conflicting classifications (1 of 4 stars). 6 submissions from 6 submitters: Uncertain significance (1); Benign (1); Likely benign (3). 1 of the submissions does not count toward it. Last evaluated 2026-03-01.

Conditions:
LRP5-related disorder. Also called: LRP5-related condition.

Allele frequency attached by ClinVar (database versions not stated): gnomAD 0.00006 and 0.00007; gnomAD exomes 0.00006 and 0.00028; ESP Exome Variant Server 0.00015; TOPMed 0.00019; ExAC 0.00023; 1000 Genomes Project 30x 0.00031.
gnomAD v4.1: 99 of 1,613,920 alleles (0.0061%); highest among the groups gnomAD compares: Admixed American, 0.14%; no homozygotes.

Submissions (6):

CeGaT Center for Human Genetics Tuebingen
Classification: Likely benign. Last evaluated: 2026-03-01. Review status: criteria provided, single submitter. Criteria: CeGaT Center For Human Genetics Tuebingen Variant Classification Criteria Version 2. Collection method: clinical testing. Allele origin: germline. Affected: yes. Observed: 1 variant allele.
Comment: LRP5: BP4, BP7

Labcorp Genetics (formerly Invitae), Labcorp
Classification: Likely benign. Last evaluated: 2025-12-23. Review status: criteria provided, single submitter. Criteria: Invitae Variant Classification Sherloc (09022015). Collection method: clinical testing. Allele origin: germline.

Blueprint Genetics
Classification: Likely benign. Last evaluated: 2024-10-02. Review status: criteria provided, single submitter. Criteria: ACMG Guidelines, 2015. Collection method: clinical testing. Allele origin: germline.

Women's Health and Genetics/Laboratory Corporation of America, LabCorp
Classification: Benign. Last evaluated: 2024-04-24. Review status: criteria provided, single submitter. Criteria: LabCorp Variant Classification Summary - May 2015. Collection method: clinical testing. Allele origin: germline.

Eurofins Ntd Llc (ga)
Classification: Uncertain significance. Last evaluated: 2016-12-19. Review status: criteria provided, single submitter. Criteria: EGL Classification Definitions 2015. Collection method: clinical testing. Allele origin: germline. Observed: 1 variant allele, 1 heterozygote.

PreventionGenetics, part of Exact Sciences
Classification: Likely benign for LRP5-related condition. Last evaluated: 2021-01-22. Review status: no assertion criteria provided. Collection method: clinical testing. Allele origin: germline. Not counted in ClinVar's aggregate classification.
Comment: This variant is classified as likely benign based on ACMG/AMP sequence variant interpretation guidelines (Richards et al. 2015 PMID: 25741868, with internal and published modifications).